The following is an entry in ClinVar:

ClinVar aggregate classification (germline): Conflicting classifications of pathogenicity. Review status: criteria provided, conflicting classifications (1 of 4 stars). 4 submissions from 4 submitters: Uncertain significance (3); Likely benign (1). Last evaluated 2026-03-27.

Conditions:
Dilated cardiomyopathy 1G (CMD1G). Identifiers: Orphanet 154, MedGen C1858763, MONDO:0011400, OMIM 604145.
Myopathy, myofibrillar, 9, with early respiratory failure (MFM9). Also called: MYOPATHY, PROXIMAL, WITH EARLY RESPIRATORY MUSCLE INVOLVEMENT; Myopathy, distal, with early respiratory failure, autosomal dominant; Hereditary myopathy with early respiratory failure; EDSTROM MYOPATHY. Identifiers: Orphanet 178464, Orphanet 34521, MedGen C1863599, MONDO:0011362, OMIM 603689.
Early-onset myopathy with fatal cardiomyopathy (CMYO5). Also called: Salih Myopathy; CONGENITAL MYOPATHY 5 WITH CARDIOMYOPATHY. Identifiers: Orphanet 289377, MedGen C2673677, MONDO:0012714, OMIM 611705. Disease mechanism: loss of function.
Hypertrophic cardiomyopathy 9. Also called: Familial hypertrophic cardiomyopathy 9. Identifiers: MedGen C1861065, MONDO:0013412, OMIM 613765.
Autosomal recessive limb-girdle muscular dystrophy type 2J (LGMDR10). Also called: Limb-girdle muscular dystrophy, type 2J; MUSCULAR DYSTROPHY, LIMB-GIRDLE, AUTOSOMAL RECESSIVE 10. Identifiers: Orphanet 140922, MedGen C1837342, MONDO:0012127, OMIM 608807.
Tibial muscular dystrophy (TMD). Also called: Tibial muscular dystrophy, tardive; Udd Distal Myopathy – Tibial Muscular Dystrophy; UDD MYOPATHY. Identifiers: Orphanet 609, MedGen C1838244, MONDO:0010870, OMIM 600334.

Allele frequency attached by ClinVar (database versions not stated): gnomAD exomes 0.00001 and 0.00002; ExAC 0.00002; TOPMed 0.00002; gnomAD 0.00003.
gnomAD v4.1: 21 of 1,612,550 alleles (0.0013%); highest among the groups gnomAD compares: East Asian, 0.0022%; no homozygotes.

Submissions (4):

Molecular Diagnostic Laboratory for Inherited Cardiovascular Disease, Montreal Heart Institute
Classification: Likely benign. Last evaluated: 2026-03-27. Review status: criteria provided, single submitter. Criteria: ACMG Guidelines, 2015. Collection method: clinical testing. Allele origin: germline. Affected: no.
Comment: BP1

CeGaT Center for Human Genetics Tuebingen
Classification: Uncertain significance. Last evaluated: 2026-01-01. Review status: criteria provided, single submitter. Criteria: CeGaT Center For Human Genetics Tuebingen Variant Classification Criteria Version 2. Collection method: clinical testing. Allele origin: germline. Affected: yes. Observed: 2 variant alleles.
Comment: TTN: PM2:Supporting

Fulgent Genetics
Classification: Uncertain significance for Tibial muscular dystrophy; Myopathy, myofibrillar, 9, with early respiratory failure; Dilated cardiomyopathy 1G; Autosomal recessive limb-girdle muscular dystrophy type 2J; Early-onset myopathy with fatal cardiomyopathy; Hypertrophic cardiomyopathy 9. Last evaluated: 2021-09-14. Review status: criteria provided, single submitter. Criteria: ACMG Guidelines, 2015. Collection method: clinical testing. Allele origin: unknown.

Mayo Clinic Laboratories, Mayo Clinic
Classification: Uncertain significance. Last evaluated: 2020-11-03. Review status: criteria provided, single submitter. Criteria: ACMG Guidelines, 2015. Collection method: clinical testing. Allele origin: germline. Observed: 2 variant alleles.

NM_001267550.2(TTN):c.96434G>A (p.Arg32145His)

Genes: TTN (titin; minus strand), TTN-AS1 (TTN antisense RNA 1; plus strand), LOC126806421 (CDK7 strongly-dependent group 2 enhancer GRCh37_chr2:179407630-179408829; plus strand). Cytogenetic location: 2q31.2.
Variant type: single nucleotide variant.
Coding change: c.96434G>A on transcript NM_001267550.2 (MANE Select); coding-DNA position 96434, G replaced by A.
Protein change: p.Arg32145His; replaces arginine 32145 with histidine.
Molecular consequence: missense variant.
Genome position (GRCh38, 1-based): chr2:178,543,539, C>T on the plus strand (G>A on the coding strand, the complement: TTN is on the minus strand). VCF-style: chr2-178543539-C-T. GRCh37 (hg19) VCF-style: chr2-179408266-C-T.
Other names: c.91511G>A, p.Arg30504His (NM_001256850.1); c.69239G>A, p.Arg23080His (NM_003319.4); c.88730G>A, p.Arg29577His (NM_133378.4); c.69614G>A, p.Arg23205His (NM_133432.3); c.69815G>A, p.Arg23272His (NM_133437.4); short protein forms R23205H, R30504H, R23272H, R29577H, R23080H, R32145H.
Identifiers: ClinVar variation 808910 (VCV000808910.29), dbSNP rs759948951, ClinGen allele CA1986752.